The following is an entry in ClinVar:

NM_031308.4(EPPK1):c.2784C>T (p.Gly928=)

Gene: EPPK1 (epiplakin 1; minus strand). Cytogenetic location: 8q24.3.
Variant type: single nucleotide variant.
Coding change: c.2784C>T on transcript NM_031308.4 (MANE Select); coding-DNA position 2784, C replaced by T.
Protein change: p.Gly928=; no amino-acid change (glycine 928 retained).
Molecular consequence: synonymous variant.
Genome position (GRCh38, 1-based): chr8:143,870,470, G>A on the plus strand (C>T on the coding strand, the complement: EPPK1 is on the minus strand). VCF-style: chr8-143870470-G-A. GRCh37 (hg19) VCF-style: chr8-144944638-G-A.
Identifiers: ClinVar variation 3035319 (VCV003035319.2), dbSNP rs56118826, ClinGen allele CA4922954.

ClinVar aggregate classification (germline): Benign (0 of 4 stars; one submission).

Conditions:
EPPK1-related disorder. Also called: EPPK1-related condition.

Allele frequency attached by ClinVar (database versions not stated): 1000 Genomes Project 30x 0.11430; 1000 Genomes Project 0.11442; ESP Exome Variant Server 0.13509; TOPMed 0.13538; gnomAD 0.14073; ExAC 0.15868; gnomAD exomes 0.16701.
gnomAD v4.1: 262,720 of 1,603,058 alleles (16%); highest among the groups gnomAD compares: Non-Finnish European, 18%; 22,988 homozygotes.

Submission:

PreventionGenetics, part of Exact Sciences
Classification: Benign for EPPK1-related condition. Last evaluated: 2021-04-13. Review status: no assertion criteria provided. Collection method: clinical testing. Allele origin: germline.
Comment: This variant is classified as benign based on ACMG/AMP sequence variant interpretation guidelines (Richards et al. 2015 PMID: 25741868, with internal and published modifications).